The following is an entry in ClinVar:

NM_182943.3(PLOD2):c.1732A>G (p.Ile578Val)

Gene: PLOD2 (procollagen-lysine,2-oxoglutarate 5-dioxygenase 2; minus strand). Cytogenetic location: 3q24.
Variant type: single nucleotide variant.
Coding change: c.1732A>G on transcript NM_182943.3 (MANE Select); coding-DNA position 1732, A replaced by G.
Protein change: p.Ile578Val; replaces isoleucine 578 with valine.
Molecular consequence: missense variant.
Genome position (GRCh38, 1-based): chr3:146,073,298, T>C on the plus strand (A>G on the coding strand, the complement: PLOD2 is on the minus strand). VCF-style: chr3-146073298-T-C. GRCh37 (hg19) VCF-style: chr3-145791085-T-C.
Other names: c.1669A>G, p.Ile557Val (NM_000935.3); short protein forms I557V, I578V.
Identifiers: ClinVar variation 343645 (VCV000343645.16), dbSNP rs558336915, ClinGen allele CA2654797.

ClinVar aggregate classification (germline): Conflicting classifications of pathogenicity. Review status: criteria provided, conflicting classifications (1 of 4 stars). 4 submissions from 4 submitters: Uncertain significance (2); Benign (1); Likely benign (1). Last evaluated 2026-01-17.

Conditions:
Osteogenesis imperfecta (OI). Identifiers: Orphanet 666, MedGen C0029434, MeSH D010013, MONDO:0019019.
PLOD2-related disorder. Also called: PLOD2-related condition.
Bruck syndrome 2 (BRKS2). Also called: OSTEOGENESIS IMPERFECTA WITH CONGENITAL JOINT CONTRACTURES. Identifiers: Orphanet 2771, MedGen C1836602, MONDO:0012217, OMIM 609220.

Allele frequency attached by ClinVar (database versions not stated): gnomAD 0.00006 and 0.00013; TOPMed 0.00006; gnomAD exomes 0.00016 and 0.00031; 1000 Genomes Project 0.00020; 1000 Genomes Project 30x 0.00031; ExAC 0.00090.
gnomAD v4.1: 200 of 1,230,796 alleles (0.016%); highest among the groups gnomAD compares: Middle Eastern, 0.21%; 1 homozygote.

Submissions (4):

Labcorp Genetics (formerly Invitae), Labcorp
Classification: Benign. Last evaluated: 2026-01-17. Review status: criteria provided, single submitter. Criteria: Invitae Variant Classification Sherloc (09022015). Collection method: clinical testing. Allele origin: germline.

PreventionGenetics, part of Exact Sciences
Classification: Likely benign for PLOD2-related condition. Last evaluated: 2025-02-07. Review status: criteria provided, single submitter. Criteria: ACMG Guidelines, 2015. Collection method: clinical testing. Allele origin: germline.
Comment: This variant is classified as likely benign based on ACMG/AMP sequence variant interpretation guidelines (Richards et al. 2015 PMID: 25741868, with internal and published modifications).

Genome Diagnostics Laboratory, The Hospital for Sick Children
Classification: Uncertain significance for Osteogenesis imperfecta. Last evaluated: 2022-03-10. Review status: criteria provided, single submitter. Criteria: ACMG Guidelines, 2015. Collection method: clinical testing. Allele origin: germline.

Illumina Laboratory Services, Illumina
Classification: Uncertain significance for Bruck syndrome 2. Last evaluated: 2018-01-12. Review status: criteria provided, single submitter. Criteria: ICSL Variant Classification Criteria 13 December 2019. Collection method: clinical testing. Allele origin: germline.